The following is an entry in ClinVar:

ClinVar aggregate classification (germline): Likely benign (0 of 4 stars; one submission).

Conditions:
WDPCP-related disorder. Also called: WDPCP-related condition.

Submission:

PreventionGenetics, part of Exact Sciences
Classification: Likely benign for WDPCP-related condition. Last evaluated: 2021-08-19. Review status: no assertion criteria provided. Collection method: clinical testing. Allele origin: germline.
Comment: This variant is classified as likely benign based on ACMG/AMP sequence variant interpretation guidelines (Richards et al. 2015 PMID: 25741868, with internal and published modifications).

NM_015910.7(WDPCP):c.1748+18448C>T

Gene: WDPCP (WD repeat containing planar cell polarity effector; minus strand). Cytogenetic location: 2p15.
Variant type: single nucleotide variant.
Coding change: c.1748+18448C>T on transcript NM_015910.7 (MANE Select); 18448 bases into the intron after coding-DNA position 1748, C replaced by T.
Molecular consequence: intron variant. On other transcripts: synonymous variant (1).
Genome position (GRCh38, 1-based): chr2:63,359,938, G>A on the plus strand (C>T on the coding strand, the complement: WDPCP is on the minus strand). VCF-style: chr2-63359938-G-A. GRCh37 (hg19) VCF-style: chr2-63587073-G-A.
Other names: c.1887C>T, p.Thr629= (NM_001354045.2); c.1676+18448C>T (NM_001354044.2); c.1271+18448C>T (NM_001042692.3).
Identifiers: ClinVar variation 3357245 (VCV003357245.1).